The following is an entry in ClinVar:

NM_001025603.2(RFX5):c.880C>T (p.Arg294Ter)

Gene: RFX5 (regulatory factor X5; minus strand). Cytogenetic location: 1q21.3.
Variant type: single nucleotide variant.
Coding change: c.880C>T on transcript NM_001025603.2 (MANE Select); coding-DNA position 880, C replaced by T.
Protein change: p.Arg294Ter; replaces arginine 294 with a stop codon.
Molecular consequence: nonsense.
Genome position (GRCh38, 1-based): chr1:151,343,157, G>A on the plus strand (C>T on the coding strand, the complement: RFX5 is on the minus strand). VCF-style: chr1-151343157-G-A. GRCh37 (hg19) VCF-style: chr1-151315633-G-A.
Other names: c.880C>T (NM_000449.3); c.880C>T, p.Arg294Ter (NM_000449.4, NM_001379412.1, NM_001379413.1 and 5 more transcripts); c.760C>T, p.Arg254Ter (NM_001379419.1, NM_001379420.1); short protein forms R254*, R294*.
Identifiers: ClinVar variation 1431893 (VCV001431893.10), dbSNP rs1196551559, ClinGen allele CA341934067.

ClinVar aggregate classification (germline): Pathogenic/Likely pathogenic. Review status: criteria provided, multiple submitters, no conflicts (2 of 4 stars). 2 submissions from 2 submitters: Pathogenic (1); Likely pathogenic (1). Last evaluated 2025-06-15.

Conditions:
MHC class II deficiency 3. Also called: Bare lymphocyte syndrome, type II, complementation group c. Identifiers: MedGen C1859536, MONDO:0971014, OMIM 620816.
MHC class II deficiency 5. Also called: BARE LYMPHOCYTE SYNDROME, TYPE II, COMPLEMENTATION GROUP E; Bare lymphocyte syndrome type 2, complementation group E. Identifiers: MedGen C1859538, MONDO:0971016, OMIM 620818.
MHC class II deficiency. Also called: Bare lymphocyte syndrome 2; BLS, TYPE II. Identifiers: Orphanet 572, MedGen C5447452, MONDO:0008855.

Allele frequency attached by ClinVar (database versions not stated): gnomAD 0.00001; TOPMed 0.00001; gnomAD exomes below 0.00001.

Submissions (2):

Labcorp Genetics (formerly Invitae), Labcorp
Classification: Pathogenic for MHC class II deficiency. Last evaluated: 2025-06-15. Review status: criteria provided, single submitter. Criteria: Invitae Variant Classification Sherloc (09022015). Collection method: clinical testing. Allele origin: germline.
Comment: This sequence change creates a premature translational stop signal (p.Arg294*) in the RFX5 gene. While this is not anticipated to result in nonsense mediated decay, it is expected to disrupt the last 323 amino acid(s) of the RFX5 protein. This variant is present in population databases (no rsID available, gnomAD 0.0009%). This premature translational stop signal has been observed in individual(s) with MHC class II deficiency (PMID: 7744245). This variant is also known as c.1032C>T. ClinVar contains an entry for this variant (Variation ID: 1431893). This variant disrupts a region of the RFX5 protein in which other variant(s) (p.Ser571Glnfs*22) have been determined to be pathogenic (internal data). This suggests that this is a clinically significant region of the protein, and that variants that disrupt it are likely to be disease-causing. For these reasons, this variant has been classified as Pathogenic.

Fulgent Genetics
Classification: Likely pathogenic for MHC class II deficiency 3; MHC class II deficiency 5. Last evaluated: 2024-04-23. Review status: criteria provided, single submitter. Criteria: ACMG Guidelines, 2015. Collection method: clinical testing. Allele origin: germline.

Literature cited by the submitters: PubMed 7744245 (cited by Labcorp Genetics (formerly Invitae), Labcorp).